The following is an entry in ClinVar:

NC_000005.10:g.112707378G>C

Gene: APC (APC regulator of Wnt signaling pathway; plus strand). Cytogenetic location: 5q22.2.
Variant type: single nucleotide variant.
Genome position: GRCh38 VCF-style: chr5-112707378-G-C. GRCh37 (hg19) VCF-style: chr5-112043075-G-C.
Identifiers: ClinVar variation 656128 (VCV000656128.8), dbSNP rs1243549213, ClinGen allele CA915943568.

ClinVar aggregate classification (germline): Uncertain significance (1 of 4 stars; one submission).

Conditions:
Familial adenomatous polyposis 1 (FAP1). Also called: FAMILIAL ADENOMATOUS POLYPOSIS 1, ATTENUATED; POLYPOSIS, ADENOMATOUS INTESTINAL. Identifiers: MedGen C2713442, MONDO:0021056, OMIM 175100. Disease mechanism: loss of function.

Allele frequency attached by ClinVar (database versions not stated): gnomAD exomes 0.00002.

Submission:

Labcorp Genetics (formerly Invitae), Labcorp
Classification: Uncertain significance for Familial adenomatous polyposis 1. Last evaluated: 2025-11-25. Review status: criteria provided, single submitter. Criteria: Invitae Variant Classification Sherloc (09022015). Collection method: clinical testing. Allele origin: germline.
Comment: This variant occurs in a non-coding region of the APC gene. It does not change the encoded amino acid sequence of the APC protein. This variant is not present in population databases (gnomAD no frequency). This variant has not been reported in the literature in individuals affected with APC-related conditions. ClinVar contains an entry for this variant (Variation ID: 656128). Experimental studies and prediction algorithms are not available or were not evaluated, and the functional significance of this variant is currently unknown. In summary, the available evidence is currently insufficient to determine the role of this variant in disease. Therefore, it has been classified as a Variant of Uncertain Significance.